The following is an entry in ClinVar:

ClinVar aggregate classification (germline): Benign/Likely benign. Review status: criteria provided, multiple submitters, no conflicts (2 of 4 stars). 2 submissions from 2 submitters: Benign (1); Likely benign (1). Last evaluated 2024-12-18.

Conditions:
Lynch syndrome 5 (LYNCH5). Also called: Colorectal cancer, hereditary nonpolyposis, type 5; Hereditary non-polyposis colorectal cancer, type 5. Identifiers: Orphanet 144, MedGen C1833477, MONDO:0013710, OMIM 614350. Disease mechanism: loss of function.
Hereditary nonpolyposis colorectal neoplasms. Identifiers: MedGen C0009405, MeSH D003123.

Submissions (2):

Myriad Genetics, Inc.
Classification: Benign for Lynch syndrome 5. Last evaluated: 2024-12-18. Review status: criteria provided, single submitter. Criteria: Myriad Autosomal Dominant, Autosomal Recessive and X-Linked Classification Criteria (2023). Collection method: clinical testing. Allele origin: unknown.
Comment: This variant is considered benign. This variant is a silent/synonymous amino acid change and it is not expected to impact splicing.

Labcorp Genetics (formerly Invitae), Labcorp
Classification: Likely benign for Hereditary nonpolyposis colorectal neoplasms. Last evaluated: 2019-10-23. Review status: criteria provided, single submitter. Criteria: Invitae Variant Classification Sherloc (09022015). Collection method: clinical testing. Allele origin: germline.

NM_000179.3(MSH6):c.507G>A (p.Lys169=)

Gene: MSH6 (mutS homolog 6; plus strand). Cytogenetic location: 2p16.3.
Variant type: single nucleotide variant.
Coding change: c.507G>A on transcript NM_000179.3 (MANE Select); coding-DNA position 507, G replaced by A.
Protein change: p.Lys169=; no amino-acid change (lysine 169 retained).
Molecular consequence: synonymous variant. On other transcripts: 5 prime UTR variant (1), intron variant (2).
Genome position (GRCh38, 1-based): chr2:47,795,943, G>A. VCF-style: chr2-47795943-G-A. GRCh37 (hg19) VCF-style: chr2-48023082-G-A.
Other names: c.-396G>A (NM_001281494.2); c.-279-2668G>A (NM_001281493.2); c.238-2668G>A (NM_001281492.2).
Identifiers: ClinVar variation 1091539 (VCV001091539.10), dbSNP rs767474992, ClinGen allele CA425992789.
Genomic context (GRCh38, chr2:47,795,943, plus strand): 5'-TTTCTTTCTAGGTTCAAAATCAAAGGAAGCCCAGAAGGGAGGTCATTTTTACAGTGCAAA[G>A]CCTGAAATACTGAGAGCAATGCAACGTGCAGATGAAGCCTTAAATAAAGACAAGATTAAG-3'
Protein context (NP_000170.1, residues 159-179): AQKGGHFYSA[Lys169=]PEILRAMQRA